The following is an entry in ClinVar:

NM_000059.4(BRCA2):c.2842G>A (p.Val948Ile)

Gene: BRCA2 (BRCA2 DNA repair associated; plus strand). Cytogenetic location: 13q13.1.
Variant type: single nucleotide variant.
Coding change: c.2842G>A on transcript NM_000059.4 (MANE Select); coding-DNA position 2842, G replaced by A.
Protein change: p.Val948Ile; replaces valine 948 with isoleucine.
Molecular consequence: missense variant.
Genome position (GRCh38, 1-based): chr13:32,337,197, G>A. VCF-style: chr13-32337197-G-A. GRCh37 (hg19) VCF-style: chr13-32911334-G-A.
Other names: short protein forms V948I.
Identifiers: ClinVar variation 531247 (VCV000531247.18), dbSNP rs1555282901, ClinGen allele CA387773896.

ClinVar aggregate classification (germline): Conflicting classifications of pathogenicity. Review status: criteria provided, conflicting classifications (1 of 4 stars). 4 submissions from 4 submitters: Uncertain significance (3); Likely benign (1). Last evaluated 2025-06-09.

Conditions:
Hereditary breast ovarian cancer syndrome. Also called: Hereditary breast and ovarian cancer syndrome (HBOC); BRCA1- and BRCA2-Associated Hereditary Breast and Ovarian Cancer; Hereditary breast and ovarian cancer syndrome; Breast and ovarian cancer; Hereditary breast and ovarian cancer; Hereditary breast and/or ovarian cancer syndrome. Identifiers: Orphanet 145, MedGen C0677776, MeSH D061325, MONDO:0003582. Disease mechanism: loss of function.
Hereditary cancer-predisposing syndrome. Also called: Hereditary neoplastic syndrome; Neoplastic Syndromes, Hereditary; Tumor predisposition; Hereditary Cancer Syndrome. Identifiers: Orphanet 140162, MedGen C0027672, MeSH D009386, MONDO:0015356.

Allele frequency attached by ClinVar (database versions not stated): gnomAD exomes below 0.00001.
gnomAD v4.1: 1 of 1,613,654 alleles (0.000062%); highest among the groups gnomAD compares: Non-Finnish European, 0.000085%; no homozygotes.

Submissions (4):

Ambry Genetics
Classification: Uncertain significance for Hereditary cancer-predisposing syndrome. Last evaluated: 2025-06-09. Review status: criteria provided, single submitter. Criteria: Ambry Variant Classification Scheme 2023. Collection method: clinical testing. Allele origin: germline.
Comment: The p.V948I variant (also known as c.2842G>A), located in coding exon 10 of the BRCA2 gene, results from a G to A substitution at nucleotide position 2842. The valine at codon 948 is replaced by isoleucine, an amino acid with highly similar properties. This alteration was seen in a colorectal cancer family and in a hereditary breast and/or ovarian cancer family; however, clinical details were not provided (Garre P et al. Clin. Genet., 2015 Jun;87:582-7; Palmero EI et al. Genet. Mol. Biol., 2016 05;39:210-22). This amino acid position is not well conserved in available vertebrate species. In addition, this alteration is predicted to be tolerated by in silico analysis. Since supporting evidence is limited at this time, the clinical significance of this alteration remains unclear.

Labcorp Genetics (formerly Invitae), Labcorp
Classification: Uncertain significance for Hereditary breast ovarian cancer syndrome. Last evaluated: 2025-03-03. Review status: criteria provided, single submitter. Criteria: Invitae Variant Classification Sherloc (09022015). Collection method: clinical testing. Allele origin: germline.
Comment: This sequence change replaces valine, which is neutral and non-polar, with isoleucine, which is neutral and non-polar, at codon 948 of the BRCA2 protein (p.Val948Ile). This variant is not present in population databases (gnomAD no frequency). This missense change has been observed in individual(s) with breast, ovarian and/or colorectal cancer (PMID: 24814045, 27223485). ClinVar contains an entry for this variant (Variation ID: 531247). Invitae Evidence Modeling of protein sequence and biophysical properties (such as structural, functional, and spatial information, amino acid conservation, physicochemical variation, residue mobility, and thermodynamic stability) indicates that this missense variant is not expected to disrupt BRCA2 protein function with a negative predictive value of 95%. In summary, the available evidence is currently insufficient to determine the role of this variant in disease. Therefore, it has been classified as a Variant of Uncertain Significance.

University of Washington Department of Laboratory Medicine, University of Washington
Classification: Likely benign for Hereditary cancer-predisposing syndrome. Last evaluated: 2023-03-23. Review status: criteria provided, single submitter. Criteria: Dines et al. (Genet Med. 2020). Collection method: curation. Allele origin: germline.
Comment: Missense variant in a coldspot region where missense variants are very unlikely to be pathogenic (PMID:31911673).

BRCA2 exon 11 coldspot. Reclassification based on statistical prior probability.

Color Diagnostics, LLC DBA Color Health
Classification: Uncertain significance for Hereditary cancer-predisposing syndrome. Last evaluated: 2019-12-10. Review status: criteria provided, single submitter. Criteria: ACMG Guidelines, 2015. Collection method: clinical testing. Allele origin: germline.
Comment: This missense variant replaces valine with isoleucine at codon 948 of the BRCA2 protein. Computational prediction suggests that this variant may not impact protein structure and function (internally defined REVEL score threshold <= 0.5, PMID: 27666373). Splice site prediction tools suggest that this variant may not impact RNA splicing. To our knowledge, functional studies have not been performed for this variant. This variant has been reported in one individual each affected with colorectal cancer or considered at-risk for hereditary breast cancer (PMID: 24814045, 27223485). This variant has not been identified in the general population by the Genome Aggregation Database (gnomAD). The available evidence is insufficient to determine the role of this variant in disease conclusively. Therefore, this variant is classified as a Variant of Uncertain Significance.

Literature cited by the submitters: PubMed 24814045 (cited by Ambry Genetics and Labcorp Genetics (formerly Invitae), Labcorp); PubMed 27223485 (cited by Ambry Genetics and Labcorp Genetics (formerly Invitae), Labcorp).